The following is an entry in ClinVar:

NM_006379.5(SEMA3C):c.104-8T>G

Gene: SEMA3C (semaphorin 3C; minus strand). Cytogenetic location: 7q21.11.
Variant type: single nucleotide variant.
Coding change: c.104-8T>G on transcript NM_006379.5 (MANE Select); 8 bases into the intron before coding-DNA position 104, T replaced by G.
Molecular consequence: intron variant.
Genome position (GRCh38, 1-based): chr7:80,828,753, A>C on the plus strand (T>G on the coding strand, the complement: SEMA3C is on the minus strand). VCF-style: chr7-80828753-A-C. GRCh37 (hg19) VCF-style: chr7-80458069-A-C.
Other names: c.158-8T>G (NM_001350120.2); c.-71-8T>G (NM_001350121.2).
Identifiers: ClinVar variation 4999838 (VCV004999838.1).
Genomic context (GRCh38, chr7:80,828,753, plus strand): 5'-TAAAGGATGGTGGGAAAGGCTGAAGTATTCAGAGGTCTTGGTTTCTCGAAGTTCTGAAAG[A>C]GTGAACAGCACAAGTGTAGATACAGTATCCTGGTTCTATAATTCTATTATTTTAATAAAA-3'

ClinVar aggregate classification (germline): Likely benign (1 of 4 stars; one submission).

Conditions:
SEMA3C-related disorder. Also called: SEMA3C-related condition.

gnomAD v4.1: 22 of 1,601,694 alleles (0.0014%); highest among the groups gnomAD compares: Non-Finnish European, 0.0018%; no homozygotes.

Submission:

PreventionGenetics, part of Exact Sciences
Classification: Likely benign for SEMA3C-related condition. Last evaluated: 2024-12-04. Review status: criteria provided, single submitter. Criteria: ACMG Guidelines, 2015. Collection method: clinical testing. Allele origin: germline.
Comment: This variant is classified as likely benign based on ACMG/AMP sequence variant interpretation guidelines (Richards et al. 2015 PMID: 25741868, with internal and published modifications).